The following is an entry in ClinVar:

NM_025144.4(ALPK1):c.431C>T (p.Ala144Val)

Gene: ALPK1 (alpha kinase 1; plus strand). Cytogenetic location: 4q25.
Variant type: single nucleotide variant.
Coding change: c.431C>T on transcript NM_025144.4 (MANE Select); coding-DNA position 431, C replaced by T.
Protein change: p.Ala144Val; replaces alanine 144 with valine.
Molecular consequence: missense variant.
Genome position (GRCh38, 1-based): chr4:112,411,981, C>T. VCF-style: chr4-112411981-C-T. GRCh37 (hg19) VCF-style: chr4-113333137-C-T.
Other names: c.431C>T, p.Ala144Val (NM_001102406.2); c.197C>T, p.Ala66Val (NM_001253884.2); short protein forms A66V, A144V.
Identifiers: ClinVar variation 2120672 (VCV002120672.4), dbSNP rs1427050994, ClinGen allele CA357990756.
Genomic context (GRCh38, chr4:112,411,981, plus strand): 5'-CTGGAAAACTTCTGCAGGTCGCCAAAGGTCTCCACAAGTTGCAGCCAGCCACGCCAATTG[C>T]CCCGCAGGTGGTTATTCGCCAAGCCCGAATCTCCGTGAACTCAGGTATGCTCCCTCCTGC-3'
Protein context (NP_079420.3, residues 134-154): LHKLQPATPI[Ala144Val]PQVVIRQARI

ClinVar aggregate classification (germline): Uncertain significance (1 of 4 stars; one submission).

Allele frequency attached by ClinVar (database versions not stated): gnomAD exomes 0.00001.
gnomAD v4.1: 20 of 1,614,022 alleles (0.0012%); highest among the groups gnomAD compares: Non-Finnish European, 0.0017%; no homozygotes.

Submission:

Labcorp Genetics (formerly Invitae), Labcorp
Classification: Uncertain significance. Last evaluated: 2022-08-30. Review status: criteria provided, single submitter. Criteria: Invitae Variant Classification Sherloc (09022015). Collection method: clinical testing. Allele origin: germline.
Comment: This variant is present in population databases (no rsID available, gnomAD 0.002%). This sequence change replaces alanine, which is neutral and non-polar, with valine, which is neutral and non-polar, at codon 144 of the ALPK1 protein (p.Ala144Val). In summary, the available evidence is currently insufficient to determine the role of this variant in disease. Therefore, it has been classified as a Variant of Uncertain Significance. Algorithms developed to predict the effect of missense changes on protein structure and function are either unavailable or do not agree on the potential impact of this missense change (SIFT: "Deleterious"; PolyPhen-2: "Probably Damaging"; Align-GVGD: "Class C0"). This variant has not been reported in the literature in individuals affected with ALPK1-related conditions.